The following is an entry in ClinVar:

ClinVar aggregate classification (germline): Likely benign. Review status: criteria provided, multiple submitters, no conflicts (2 of 4 stars). 2 submissions from 2 submitters: Likely benign (2). Last evaluated 2024-10-14.

Conditions:
Hereditary diffuse gastric adenocarcinoma (HDGC). Also called: DIFFUSE GASTRIC AND LOBULAR BREAST CANCER SYNDROME. Identifiers: Orphanet 26106, MedGen C1708349, MONDO:0007648, OMIM 137215.

Submissions (2):

Myriad Genetics, Inc.
Classification: Likely benign for Hereditary diffuse gastric adenocarcinoma. Last evaluated: 2024-10-14. Review status: criteria provided, single submitter. Criteria: Myriad Autosomal Dominant, Autosomal Recessive and X-Linked Classification Criteria (2023). Collection method: clinical testing. Allele origin: unknown.
Comment: This variant is considered likely benign. This variant is intronic and is not expected to impact mRNA splicing.

Labcorp Genetics (formerly Invitae), Labcorp
Classification: Likely benign. Last evaluated: 2022-06-22. Review status: criteria provided, single submitter. Criteria: Invitae Variant Classification Sherloc (09022015). Collection method: clinical testing. Allele origin: germline.

NM_001903.5(CTNNA1):c.1899+10T>C

Gene: CTNNA1 (catenin alpha 1; plus strand). Cytogenetic location: 5q31.2.
Variant type: single nucleotide variant.
Coding change: c.1899+10T>C on transcript NM_001903.5 (MANE Select); 10 bases into the intron after coding-DNA position 1899, T replaced by C.
Molecular consequence: intron variant.
Genome position (GRCh38, 1-based): chr5:138,925,417, T>C. VCF-style: chr5-138925417-T-C. GRCh37 (hg19) VCF-style: chr5-138261106-T-C.
Other names: c.1899+10T>C (NM_001323982.2, NM_001323984.2, NM_001290307.3 and 2 more transcripts); c.1806+10T>C (NM_001323986.2); c.1530+10T>C (NM_001290310.3); c.1590+10T>C (NM_001290309.3); c.789+10T>C (NM_001323996.1, NM_001323993.1, NM_001324005.1 and 17 more transcripts); c.450+10T>C (NM_001324007.1, NM_001324009.1, NM_001324006.1 and 2 more transcripts); c.546+10T>C (NM_001324013.1, NM_001324012.1); c.696+10T>C (NM_001324011.1).
Identifiers: ClinVar variation 2005364 (VCV002005364.5), dbSNP rs2533738218, ClinGen allele CA446597502.